The following is an entry in ClinVar:

NM_000337.6(SGCD):c.87C>G (p.Gly29=)

Gene: SGCD (sarcoglycan delta; plus strand). Cytogenetic location: 5q33.3.
Variant type: single nucleotide variant.
Coding change: c.87C>G on transcript NM_000337.6 (MANE Select); coding-DNA position 87, C replaced by G.
Protein change: p.Gly29=; no amino-acid change (glycine 29 retained).
Molecular consequence: synonymous variant.
Genome position (GRCh38, 1-based): chr5:156,344,572, C>G. VCF-style: chr5-156344572-C-G. GRCh37 (hg19) VCF-style: chr5-155771582-C-G.
Other names: c.84C>G, p.Gly28= (NM_001128209.2); c.87C>G, p.Gly29= (NM_172244.3).
Identifiers: ClinVar variation 3365972 (VCV003365972.1).

ClinVar aggregate classification (germline): Uncertain significance (1 of 4 stars; one submission).

Submission:

GeneDx
Classification: Uncertain significance. Last evaluated: 2023-10-26. Review status: criteria provided, single submitter. Criteria: GeneDx Variant Classification Process June 2021. Collection method: clinical testing. Allele origin: germline. Affected: yes.
Comment: Has not been previously published as pathogenic or benign to our knowledge; Not observed at significant frequency in large population cohorts (gnomAD); In silico analysis suggests this variant may impact gene splicing. In the absence of RNA/functional studies, the actual effect of this sequence change is unknown.